The following is an entry in ClinVar:

NM_182972.3(IRF2BP2):c.244_254del (p.Lys82fs)

Genes: IRF2BP2 (interferon regulatory factor 2 binding protein 2; minus strand), LOC129932812 (ATAC-STARR-seq lymphoblastoid silent region 1977; plus strand). Cytogenetic location: 1q42.3.
Variant type: Deletion.
Coding change: c.244_254del on transcript NM_182972.3 (MANE Select); coding-DNA positions 244 to 254, 11 bases deleted (AAGCCGCCGCC).
Protein change: p.Lys82fs; shifts the reading frame from lysine 82.
Molecular consequence: frameshift variant.
Genome position (GRCh38, 1-based): chr1:234,609,241-234,609,251, GGCGGCGGCTT deleted on the plus strand (AAGCCGCCGCC on the coding strand, the reverse complement: IRF2BP2 is on the minus strand); deleting any 11 consecutive bases within chr1:234,609,241-234,609,260 gives the same sequence; the c. name uses the placement nearest the transcript's 3' end. VCF-style (leftmost placement, unchanged base first): chr1-234609240-CGGCGGCGGCTT-C. GRCh37 (hg19) VCF-style: chr1-234744986-CGGCGGCGGCTT-C.
Other names: c.244_254del, p.Lys82fs (NM_001077397.1); short protein forms K82fs.
Identifiers: ClinVar variation 3702366 (VCV003702366.2).
Genomic context (GRCh38, chr1:234,609,240, plus strand): 5'-CTCGGGGCCGCCGTGGCCAAGCTGCTGCTGCTGCTGCAAAAGGATGTCCTTGGCGGAGAG[CGGCGGCGGCTT>C]GGCGGCGGCCGAGGCCGCGGCGCCGGGTGGGGAGCGACCCTCCGGGAAGCAGCCGTGCGC-3'

ClinVar aggregate classification (germline): Uncertain significance (1 of 4 stars; one submission).

Submission:

Labcorp Genetics (formerly Invitae), Labcorp
Classification: Uncertain significance. Last evaluated: 2024-02-24. Review status: criteria provided, single submitter. Criteria: Invitae Variant Classification Sherloc (09022015). Collection method: clinical testing. Allele origin: germline.
Comment: This sequence change creates a premature translational stop signal (p.Lys82Alafs*47) in the IRF2BP2 gene. It is expected to result in an absent or disrupted protein product. However, the current clinical and genetic evidence is not sufficient to establish whether loss-of-function variants in IRF2BP2 cause disease. This variant is not present in population databases (gnomAD no frequency). This variant has not been reported in the literature in individuals affected with IRF2BP2-related conditions. In summary, the available evidence is currently insufficient to determine the role of this variant in disease. Therefore, it has been classified as a Variant of Uncertain Significance.